The following is an entry in ClinVar:

NM_003737.4(DCHS1):c.3588T>C (p.Thr1196=)

Gene: DCHS1 (dachsous cadherin-related 1; minus strand). Cytogenetic location: 11p15.4.
Variant type: single nucleotide variant.
Coding change: c.3588T>C on transcript NM_003737.4 (MANE Select); coding-DNA position 3588, T replaced by C.
Protein change: p.Thr1196=; no amino-acid change (threonine 1196 retained).
Molecular consequence: synonymous variant.
Genome position (GRCh38, 1-based): chr11:6,631,703, A>G on the plus strand (T>C on the coding strand, the complement: DCHS1 is on the minus strand). VCF-style: chr11-6631703-A-G. GRCh37 (hg19) VCF-style: chr11-6652934-A-G.
Identifiers: ClinVar variation 2641567 (VCV002641567.26), dbSNP rs1369084845, ClinGen allele CA473240463.

ClinVar aggregate classification (germline): Likely benign. Review status: criteria provided, multiple submitters, no conflicts (2 of 4 stars). 2 submissions from 2 submitters: Likely benign (2). Last evaluated 2025-01-28.

Allele frequency attached by ClinVar (database versions not stated): TOPMed below 0.00001; gnomAD exomes 0.00001.
gnomAD v4.1: 10 of 1,611,064 alleles (0.00062%); highest among the groups gnomAD compares: Non-Finnish European, 0.00085%; no homozygotes.

Submissions (2):

Labcorp Genetics (formerly Invitae), Labcorp
Classification: Likely benign. Last evaluated: 2025-01-28. Review status: criteria provided, single submitter. Criteria: Invitae Variant Classification Sherloc (09022015). Collection method: clinical testing. Allele origin: germline.

CeGaT Center for Human Genetics Tuebingen
Classification: Likely benign. Last evaluated: 2022-10-01. Review status: criteria provided, single submitter. Criteria: CeGaT Center For Human Genetics Tuebingen Variant Classification Criteria Version 2. Collection method: clinical testing. Allele origin: germline. Affected: yes. Observed: 1 variant allele.
Comment: DCHS1: PM2:Supporting, BP4, BP7